The following is an entry in ClinVar:

ClinVar aggregate classification (germline): Conflicting classifications of pathogenicity. Review status: criteria provided, conflicting classifications (1 of 4 stars). 2 submissions from 2 submitters: Likely pathogenic (1); Uncertain significance (1). Last evaluated 2026-01-17.

Conditions:
Jeune thoracic dystrophy. Also called: Jeune syndrome; Infantile thoracic dystrophy; Thoracic pelvic phalangeal dystrophy; Jeune's syndrome; Chondroectodermal dysplasia-like syndrome; Short-rib thoracic dysplasia. Identifiers: Orphanet 474, MedGen C0265275, MONDO:0018770.

Allele frequency attached by ClinVar (database versions not stated): gnomAD 0.00001; gnomAD exomes 0.00002; ExAC 0.00003; TOPMed 0.00003.
gnomAD v4.1: 29 of 1,612,182 alleles (0.0018%); highest among the groups gnomAD compares: Middle Eastern, 0.016%; no homozygotes.

Submissions (2):

Labcorp Genetics (formerly Invitae), Labcorp
Classification: Likely pathogenic for Jeune thoracic dystrophy. Last evaluated: 2026-01-17. Review status: criteria provided, single submitter. Criteria: Invitae Variant Classification Sherloc (09022015). Collection method: clinical testing. Allele origin: germline.
Comment: This sequence change replaces arginine, which is basic and polar, with histidine, which is basic and polar, at codon 4154 of the DYNC2H1 protein (p.Arg4154His). This variant is present in population databases (rs781666816, gnomAD 0.007%). This variant has not been reported in the literature in individuals affected with DYNC2H1-related conditions. ClinVar contains an entry for this variant (Variation ID: 2856412). Invitae Evidence Modeling of protein sequence and biophysical properties (such as structural, functional, and spatial information, amino acid conservation, physicochemical variation, residue mobility, and thermodynamic stability) indicates that this missense variant is expected to disrupt DYNC2H1 protein function with a positive predictive value of 80%. This variant disrupts the p.Arg4154 amino acid residue in DYNC2H1. Other variant(s) that disrupt this residue have been determined to be pathogenic (PMID: 29068549). This suggests that this residue is clinically significant, and that variants that disrupt this residue are likely to be disease-causing. In summary, the currently available evidence indicates that the variant is pathogenic, but additional data are needed to prove that conclusively. Therefore, this variant has been classified as Likely Pathogenic.

Women's Health and Genetics/Laboratory Corporation of America, LabCorp
Classification: Uncertain significance. Last evaluated: 2025-05-30. Review status: criteria provided, single submitter. Criteria: LabCorp Variant Classification Summary - May 2015. Collection method: clinical testing. Allele origin: germline.
Comment: Variant summary: DYNC2H1 c.12461G>A (p.Arg4154His) results in a non-conservative amino acid change in the encoded protein sequence. Algorithms developed to predict the effect of missense changes on protein structure and function are either unavailable or do not agree on the potential impact of this missense change. The variant allele was found at a frequency of 2.8e-05 in 248352 control chromosomes. The available data on variant occurrences in the general population are insufficient to allow any conclusion about variant significance. To our knowledge, no occurrence of c.12461G>A in individuals affected with Short-rib thoracic dysplasia and no experimental evidence demonstrating its impact on protein function have been reported. ClinVar contains an entry for this variant (Variation ID: 2856412). Based on the evidence outlined above, the variant was classified as uncertain significance.

Literature cited by the submitters: PubMed 29068549 (cited by Labcorp Genetics (formerly Invitae), Labcorp).

NM_001377.3(DYNC2H1):c.12440G>A (p.Arg4147His)

Gene: DYNC2H1 (dynein cytoplasmic 2 heavy chain 1; plus strand). Cytogenetic location: 11q22.3.
Variant type: single nucleotide variant.
Coding change: c.12440G>A on transcript NM_001377.3 (MANE Select); coding-DNA position 12440, G replaced by A.
Protein change: p.Arg4147His; replaces arginine 4147 with histidine.
Molecular consequence: missense variant.
Genome position (GRCh38, 1-based): chr11:103,436,016, G>A. VCF-style: chr11-103436016-G-A. GRCh37 (hg19) VCF-style: chr11-103306744-G-A.
Other names: c.12461G>A, p.Arg4154His (NM_001080463.2); short protein forms R4154H, R4147H.
Identifiers: ClinVar variation 2856412 (VCV002856412.5), dbSNP rs781666816, ClinGen allele CA6255553.